The following is an entry in ClinVar:

NM_018417.6(ADCY10):c.878C>G (p.Thr293Arg)

Genes: ADCY10 (adenylate cyclase 10; minus strand), DCAF6 (DDB1 and CUL4 associated factor 6; plus strand). Cytogenetic location: 1q24.2.
Variant type: single nucleotide variant.
Coding change: c.878C>G on transcript NM_018417.6 (MANE Select); coding-DNA position 878, C replaced by G.
Protein change: p.Thr293Arg; replaces threonine 293 with arginine.
Molecular consequence: missense variant.
Genome position (GRCh38, 1-based): chr1:167,883,579, G>C on the plus strand (C>G on the coding strand, the complement: ADCY10 is on the minus strand). VCF-style: chr1-167883579-G-C. GRCh37 (hg19) VCF-style: chr1-167852817-G-C.
Other names: c.419C>G, p.Thr140Arg (NM_001167749.3); c.602C>G, p.Thr201Arg (NM_001297772.2); short protein forms T140R, T201R, T293R.
Identifiers: ClinVar variation 1500675 (VCV001500675.7), dbSNP rs373886057, ClinGen allele CA343100621.
Genomic context (GRCh38, chr1:167,883,579, plus strand): 5'-GCTGGGCCTATCTCTTCTGCTTTGTCTTGGTCTTCAAACATCAGGTTCACAAACACAATC[G>C]TCACTGGGCGAAGCTCAGATAAATAGCCCTGAAGCTGTTTGTTATCAATCTGCAAAGTAG-3'
Protein context (NP_060887.2, residues 283-303): QGYLSELRPV[Thr293Arg]IVFVNLMFED

ClinVar aggregate classification (germline): Uncertain significance. Review status: criteria provided, multiple submitters, no conflicts (2 of 4 stars). 2 submissions from 2 submitters: Uncertain significance (2). Last evaluated 2025-10-03.

Conditions:
Familial idiopathic hypercalciuria (HCA2). Also called: Hypercalciuria, absorptive, susceptibility to; Hypercalciuria, absorptive, 2. Identifiers: MedGen C0342639, MONDO:0007748, OMIM 143870.

Submissions (2):

Rare Kidney Stone Consortium and the Mayo Clinic Hyperoxaluria Center, Mayo Clinic
Classification: Uncertain significance for Familial idiopathic hypercalciuria. Last evaluated: 2025-10-03. Review status: criteria provided, single submitter. Criteria: ACMG Guidelines, 2015. Collection method: research. Allele origin: germline. Observed: 1 variant allele.
Comment: ACMG:PM1, PM2, PP3, BP1

Labcorp Genetics (formerly Invitae), Labcorp
Classification: Uncertain significance. Last evaluated: 2021-08-23. Review status: criteria provided, single submitter. Criteria: Invitae Variant Classification Sherloc (09022015). Collection method: clinical testing. Allele origin: germline.
Comment: This sequence change replaces threonine with arginine at codon 293 of the ADCY10 protein (p.Thr293Arg). The threonine residue is highly conserved and there is a moderate physicochemical difference between threonine and arginine. This variant is not present in population databases (ExAC no frequency). This variant has not been reported in the literature in individuals affected with ADCY10-related conditions. In summary, the available evidence is currently insufficient to determine the role of this variant in disease. Therefore, it has been classified as a Variant of Uncertain Significance. Algorithms developed to predict the effect of missense changes on protein structure and function are either unavailable or do not agree on the potential impact of this missense change (SIFT: "Deleterious"; PolyPhen-2: "Probably Damaging"; Align-GVGD: "Class C0").

Literature cited by the submitters: PubMed 40794449 (cited by Rare Kidney Stone Consortium and the Mayo Clinic Hyperoxaluria Center, Mayo Clinic).